The following is an entry in ClinVar:

ClinVar aggregate classification (germline): Uncertain significance (1 of 4 stars; one submission).

Conditions:
Intellectual developmental disorder, autosomal dominant 54. Also called: MENTAL RETARDATION, AUTOSOMAL DOMINANT 54; Intellectual disability, autosomal dominant 54. Identifiers: MedGen C4540484, MONDO:0030920, OMIM 617799.

Submission:

3billion
Classification: Uncertain significance for Intellectual developmental disorder, autosomal dominant 54. Last evaluated: 2024-06-20. Review status: criteria provided, single submitter. Criteria: ACMG Guidelines, 2015. Collection method: clinical testing. Allele origin: germline. Affected: yes.
Comment: The variant is not observed in the gnomAD v4.0.0 dataset. Predicted Consequence/Location: Missense changes are a common disease-causing mechanism. Damaging effect on gene or gene product predicted by in silico programs is uncertain [REVEL: 0.44 (damaging >=0.6, benign <0.4), 3Cnet: 0.34 (damaging >=0.6, benign <0.15)]. Therefore, this variant is classified as VUS according to the recommendation of ACMG/AMP guideline.

NM_001220.5(CAMK2B):c.331G>C (p.Ala111Pro)

Gene: CAMK2B (calcium/calmodulin dependent protein kinase II beta; minus strand). Cytogenetic location: 7p13.
Variant type: single nucleotide variant.
Coding change: c.331G>C on transcript NM_001220.5 (MANE Select); coding-DNA position 331, G replaced by C.
Protein change: p.Ala111Pro; replaces alanine 111 with proline.
Molecular consequence: missense variant.
Genome position (GRCh38, 1-based): chr7:44,254,552, C>G on the plus strand (G>C on the coding strand, the complement: CAMK2B is on the minus strand). VCF-style: chr7-44254552-C-G. GRCh37 (hg19) VCF-style: chr7-44294151-C-G.
Other names: c.331G>C, p.Ala111Pro (NM_001293170.2, NM_172078.3, NM_172079.3 and 5 more transcripts); short protein forms A111P.
Identifiers: ClinVar variation 2444364 (VCV002444364.2), dbSNP rs2486549479, ClinGen allele CA367370465.